The following is an entry in ClinVar:

NM_001267550.2(TTN):c.11663G>A (p.Gly3888Glu)

Gene: TTN (titin; minus strand). Cytogenetic location: 2q31.2.
Variant type: single nucleotide variant.
Coding change: c.11663G>A on transcript NM_001267550.2 (MANE Select); coding-DNA position 11663, G replaced by A.
Protein change: p.Gly3888Glu; replaces glycine 3888 with glutamic acid.
Molecular consequence: missense variant. On other transcripts: intron variant (1).
Genome position (GRCh38, 1-based): chr2:178,741,570, C>T on the plus strand (G>A on the coding strand, the complement: TTN is on the minus strand). VCF-style: chr2-178741570-C-T. GRCh37 (hg19) VCF-style: chr2-179606297-C-T.
Other names: c.10712G>A, p.Gly3571Glu (NM_001256850.1); c.10574G>A, p.Gly3525Glu (NM_003319.4); c.10949G>A, p.Gly3650Glu (NM_133432.3); c.11150G>A, p.Gly3717Glu (NM_133437.4); c.10361-3210G>A (NM_133378.4); short protein forms G3525E, G3571E, G3650E, G3717E, G3888E.
Identifiers: ClinVar variation 4887897 (VCV004887897.1).

ClinVar aggregate classification (germline): Uncertain significance (1 of 4 stars; one submission).

Submission:

GeneDx
Classification: Uncertain significance. Last evaluated: 2026-02-24. Review status: criteria provided, single submitter. Criteria: GeneDx Variant Classification Process June 2021. Collection method: clinical testing. Allele origin: germline.
Comment: Not observed at significant frequency in large population cohorts (gnomAD); Missense variant in a gene in which most reported pathogenic variants are truncating/loss of function; This variant is associated with the following publications: (PMID: 36357925)